The following is an entry in ClinVar:

Single allele

Genes: IMMP1L (inner mitochondrial membrane peptidase subunit 1; minus strand), DCDC1 (doublecortin domain containing 1; minus strand), DNAJC24 (DnaJ heat shock protein family (Hsp40) member C24; plus strand), LOC126861175 (CDK7 strongly-dependent group 2 enhancer GRCh37_chr11:31326823-31328022; plus strand), LOC129390272 (MPRA-validated peak1237 silencer; plus strand) and 1 more. Cytogenetic location: 11p13.
Variant type: Deletion.
Identifiers: ClinVar variation 560036 (VCV000560036.3).

ClinVar aggregate classification (germline): Uncertain significance (1 of 4 stars; one submission).

Submission:

Geisinger Autism and Developmental Medicine Institute, Geisinger Health System
Classification: Uncertain significance. Last evaluated: 2018-02-05. Review status: criteria provided, single submitter. Criteria: ACMG CNV Guidelines, 2011. Collection method: provider interpretation. Allele origin: paternal.
Comment: This history supports the putative PAX6 downstream regulatory region proposed by Balay et al, 2015 (PMID:26419218), which is not included in this patient's deletion region.

Literature cited by the submitters: PubMed 26419218.